The following is an entry in ClinVar:

NM_006439.5(MAB21L2):c.486dup (p.Arg163fs)

Genes: LRBA (LPS responsive beige-like anchor protein; minus strand), MAB21L2 (mab-21 like 2; plus strand). Cytogenetic location: 4q31.3.
Variant type: Duplication.
Coding change: c.486dup on transcript NM_006439.5 (MANE Select); coding-DNA position 486, one base duplicated (C; older notation c.486dupC).
Protein change: p.Arg163fs; shifts the reading frame from arginine 163.
Molecular consequence: frameshift variant. On other transcripts: intron variant (6).
Genome position (GRCh38, 1-based): chr4:150,583,515, C duplicated. VCF-style (leftmost placement, unchanged base first): chr4-150583514-T-TC. GRCh37 (hg19) VCF-style: chr4-151504666-T-TC.
Other names: c.6330+4533dup (NM_001367550.1, NM_001199282.3, NM_001364905.1 and 1 more transcripts); c.6363+4533dup (NM_006726.5, NM_001440430.1); short protein forms R163fs.
Identifiers: ClinVar variation 5017493 (VCV005017493.1).

ClinVar aggregate classification (germline): Uncertain significance (1 of 4 stars; one submission).

Submission:

GeneDx
Classification: Uncertain significance. Last evaluated: 2026-03-25. Review status: criteria provided, single submitter. Criteria: GeneDx Variant Classification Process June 2021. Collection method: clinical testing. Allele origin: germline.
Comment: Not observed at significant frequency in large population cohorts (gnomAD); Frameshift variant predicted to result in abnormal protein length as the last 197 amino acid(s) are replaced with 220 different amino acid(s); Has not been previously published as pathogenic or benign to our knowledge